The following is an entry in ClinVar:

ClinVar aggregate classification (germline): Conflicting classifications of pathogenicity. Review status: criteria provided, conflicting classifications (1 of 4 stars). 2 submissions from 2 submitters: Uncertain significance (1); Likely benign (1). Last evaluated 2024-12-31.

Conditions:
Inborn genetic diseases. Identifiers: MedGen C0950123, MeSH D030342.

Allele frequency attached by ClinVar (database versions not stated): gnomAD exomes 0.00001; TOPMed 0.00001; ExAC 0.00003; gnomAD 0.00005; 1000 Genomes Project 30x 0.00031; 1000 Genomes Project 0.00040.

Submissions (2):

Labcorp Genetics (formerly Invitae), Labcorp
Classification: Uncertain significance. Last evaluated: 2024-12-31. Review status: criteria provided, single submitter. Criteria: Invitae Variant Classification Sherloc (09022015). Collection method: clinical testing. Allele origin: germline.
Comment: This sequence change replaces asparagine, which is neutral and polar, with lysine, which is basic and polar, at codon 783 of the SAMD9L protein (p.Asn783Lys). This variant is present in population databases (rs572915935, gnomAD 0.03%). This variant has not been reported in the literature in individuals affected with SAMD9L-related conditions. ClinVar contains an entry for this variant (Variation ID: 1944299). Invitae Evidence Modeling of protein sequence and biophysical properties (such as structural, functional, and spatial information, amino acid conservation, physicochemical variation, residue mobility, and thermodynamic stability) indicates that this missense variant is not expected to disrupt SAMD9L protein function with a negative predictive value of 80%. In summary, the available evidence is currently insufficient to determine the role of this variant in disease. Therefore, it has been classified as a Variant of Uncertain Significance.

Ambry Genetics
Classification: Likely benign for Inborn genetic diseases. Last evaluated: 2024-12-25. Review status: criteria provided, single submitter. Criteria: Ambry Variant Classification Scheme 2023. Collection method: clinical testing. Allele origin: germline.

NM_152703.5(SAMD9L):c.2349T>A (p.Asn783Lys)

Gene: SAMD9L (sterile alpha motif domain containing 9 like; minus strand). Cytogenetic location: 7q21.2.
Variant type: single nucleotide variant.
Coding change: c.2349T>A on transcript NM_152703.5 (MANE Select); coding-DNA position 2349, T replaced by A.
Protein change: p.Asn783Lys; replaces asparagine 783 with lysine.
Molecular consequence: missense variant.
Genome position (GRCh38, 1-based): chr7:93,133,623, A>T on the plus strand (T>A on the coding strand, the complement: SAMD9L is on the minus strand). VCF-style: chr7-93133623-A-T. GRCh37 (hg19) VCF-style: chr7-92762936-A-T.
Other names: c.2349T>A (NM_152703.2); c.2349T>A, p.Asn783Lys (NM_001303496.3, NM_001303497.3, NM_001303498.3 and 5 more transcripts); short protein forms N783K.
Identifiers: ClinVar variation 1944299 (VCV001944299.6), dbSNP rs572915935, ClinGen allele CA4343603.